The following is an entry in ClinVar:

ClinVar aggregate classification (germline): Uncertain significance (1 of 4 stars; one submission).

Conditions:
Hereditary cancer-predisposing syndrome. Also called: Neoplastic Syndromes, Hereditary; Tumor predisposition; Hereditary Cancer Syndrome; Hereditary neoplastic syndrome. Identifiers: Orphanet 140162, MedGen C0027672, MeSH D009386, MONDO:0015356.

Submission:

Ambry Genetics
Classification: Uncertain significance for Hereditary cancer-predisposing syndrome. Last evaluated: 2015-02-19. Review status: criteria provided, single submitter. Criteria: Ambry Variant Classification Scheme 2023. Collection method: clinical testing. Allele origin: germline.
Comment: The c.1326_1326+8dupGGTAATTTC variant in the MRE11A gene results from a duplication of 9 nucleotides at positions 1326 to 1326+8. This variant was not reported in population-based cohorts in the following databases: Database of Single Nucleotide Polymorphisms (dbSNP), NHLBI Exome Sequencing Project (ESP) and 1000 Genomes Project. To date, this alteration has been detected with an allele frequency of approximately 0.003% (greater than 40000 alleles tested) in our clinical cohort. The BDGP in silico splicing model predicts the creation of an alternate splice donor site, but the ESEfinder tool does not predict any significant splicing impact. Since supporting evidence is limited at this time, the clinical significance of c.1326_1326+8dupGGTAATTTC remains unclear.

NM_005591.4(MRE11):c.1326_1326+8dup

Gene: MRE11 (MRE11 double strand break repair nuclease; minus strand). Cytogenetic location: 11q21.
Variant type: Duplication.
Coding change: c.1326_1326+8dup on transcript NM_005591.4 (MANE Select); coding-DNA position 1326 through 8 bases into the intron after coding-DNA position 1326, 9 bases duplicated (GGTAATTTC; older notation c.1326_1326+8dupGGTAATTTC).
Molecular consequence: splice donor variant.
Genome position (GRCh38, 1-based): chr11:94,460,928-94,460,936, GAAATTACC duplicated on the plus strand (GGTAATTTC on the coding strand, the reverse complement: MRE11 is on the minus strand). VCF-style (leftmost placement, unchanged base first): chr11-94460927-A-AGAAATTACC. GRCh37 (hg19) VCF-style: chr11-94194093-A-AGAAATTACC.
Other names: c.1326_1326+8dupGGTAATTTC (NM_005591.3); c.1326_1326+8dup (NM_001330347.2, NM_005590.4).
Identifiers: ClinVar variation 230371 (VCV000230371.5), dbSNP rs876658530, ClinGen allele CA10579381.